The following is an entry in ClinVar:

NM_080424.4(SP110):c.196C>T (p.His66Tyr)

Genes: SP110 (SP110 nuclear body protein; minus strand), SP140 (SP140 nuclear body protein; plus strand). Cytogenetic location: 2q37.1.
Variant type: single nucleotide variant.
Coding change: c.196C>T on transcript NM_080424.4 (MANE Select); coding-DNA position 196, C replaced by T.
Protein change: p.His66Tyr; replaces histidine 66 with tyrosine.
Molecular consequence: missense variant.
Genome position (GRCh38, 1-based): chr2:230,215,070, G>A on the plus strand (C>T on the coding strand, the complement: SP110 is on the minus strand). VCF-style: chr2-230215070-G-A. GRCh37 (hg19) VCF-style: chr2-231079785-G-A.
Other names: c.214C>T, p.His72Tyr (NM_001185015.2, NM_001378442.1, NM_001378444.1 and 2 more transcripts); c.196C>T, p.His66Tyr (NM_001378443.1, NM_001378447.1, NM_004509.5 and 1 more transcripts); short protein forms H66Y, H72Y.
Identifiers: ClinVar variation 953988 (VCV000953988.7), dbSNP rs370656079, ClinGen allele CA2154883.
Genomic context (GRCh38, chr2:230,215,070, plus strand): 5'-TGAACAATGTCACCAGAAGAGACAGGTTAAAAGTCCTCTCCAGTTGGGTGAGAATGTTGT[G>A]CACCACTCTGGATACAGGGATCAAATTTCTACAGGCTTCCAGAGATTCCTATAAAAATGG-3'
Protein context (NP_536349.3, residues 56-76): RNLIPVSRVV[His66Tyr]NILTQLERTF

ClinVar aggregate classification (germline): Uncertain significance (1 of 4 stars; one submission).

Conditions:
Hepatic veno-occlusive disease-immunodeficiency syndrome. Also called: Hepatic Veno-Occlusive Disease with Immunodeficiency. Identifiers: Orphanet 79124, MedGen C1856128, MONDO:0009338, OMIM 235550. Disease mechanism: loss of function.

Allele frequency attached by ClinVar (database versions not stated): gnomAD exomes below 0.00001 and 0.00001; gnomAD 0.00001 and 0.00002; ExAC 0.00002; TOPMed 0.00002; ESP Exome Variant Server 0.00008.
gnomAD v4.1: 6 of 1,613,504 alleles (0.00037%); highest among the groups gnomAD compares: African/African-American, 0.0027%; no homozygotes.

Submission:

Labcorp Genetics (formerly Invitae), Labcorp
Classification: Uncertain significance for Hepatic veno-occlusive disease-immunodeficiency syndrome. Last evaluated: 2019-08-26. Review status: criteria provided, single submitter. Criteria: Invitae Variant Classification Sherloc (09022015). Collection method: clinical testing. Allele origin: germline.
Comment: In summary, the available evidence is currently insufficient to determine the role of this variant in disease. Therefore, it has been classified as a Variant of Uncertain Significance. Algorithms developed to predict the effect of missense changes on protein structure and function output the following: SIFT: "Tolerated"; PolyPhen-2: "Benign"; Align-GVGD: "Class C0". The tyrosine amino acid residue is found in multiple mammalian species, suggesting that this missense change does not adversely affect protein function. These predictions have not been confirmed by published functional studies and their clinical significance is uncertain. This variant has not been reported in the literature in individuals with SP110-related conditions. This variant is present in population databases (rs370656079, ExAC 0.01%). This sequence change replaces histidine with tyrosine at codon 66 of the SP110 protein (p.His66Tyr). The histidine residue is weakly conserved and there is a moderate physicochemical difference between histidine and tyrosine.